The following is an entry in ClinVar:

ClinVar aggregate classification (germline): Likely benign (1 of 4 stars; one submission).

Conditions:
Autosomal dominant nonsyndromic hearing loss 9. Identifiers: Orphanet 90635, MedGen C1832425, MONDO:0011058, OMIM 601369.

Allele frequency attached by ClinVar (database versions not stated): gnomAD exomes 0.00011; 1000 Genomes Project 0.00120; 1000 Genomes Project 30x 0.00125; gnomAD 0.00179 and 0.00198; TOPMed 0.00184.
gnomAD v4.1: 358 of 971,096 alleles (0.037%); highest among the groups gnomAD compares: African/African-American, 0.61%; 2 homozygotes.

Submission:

Illumina Laboratory Services, Illumina
Classification: Likely benign for Autosomal dominant nonsyndromic hearing loss 9. Last evaluated: 2018-01-12. Review status: criteria provided, single submitter. Criteria: ICSL Variant Classification Criteria 13 December 2019. Collection method: clinical testing. Allele origin: germline.
Comment: This variant was observed in the ICSL laboratory as part of a predisposition screen in an ostensibly healthy population. It had not been previously curated by ICSL or reported in the Human Gene Mutation Database (HGMD: prior to June 1st, 2018), and was therefore a candidate for classification through an automated scoring system. Utilizing variant allele frequency, disease prevalence and penetrance estimates, and inheritance mode, an automated score was calculated to assess if this variant is too frequent to cause the disease. Based on the score and internal cut-off values, a variant classified as likely benign is not then subjected to further curation. The score for this variant resulted in a classification of likely benign for this disease.

NM_004086.3(COCH):c.*814G>A

Gene: COCH (cochlin; plus strand). Cytogenetic location: 14q12.
Variant type: single nucleotide variant.
Coding change: c.*814G>A on transcript NM_004086.3 (MANE Select); 814 bases downstream of the stop codon, G replaced by A.
Molecular consequence: 3 prime UTR variant.
Genome position (GRCh38, 1-based): chr14:30,890,605, G>A. VCF-style: chr14-30890605-G-A. GRCh37 (hg19) VCF-style: chr14-31359811-G-A.
Other names: c.*814G>A (NM_001135058.2, NM_001347720.2).
Identifiers: ClinVar variation 883577 (VCV000883577.4), dbSNP rs543797568, ClinGen allele CA258544693.